The following is an entry in ClinVar:

NM_000263.4(NAGLU):c.1815_1821dup (p.Glu608fs)

Gene: NAGLU (N-acetyl-alpha-glucosaminidase; plus strand). Cytogenetic location: 17q21.2.
Variant type: Duplication.
Coding change: c.1815_1821dup on transcript NM_000263.4 (MANE Select); coding-DNA positions 1815 to 1821, 7 bases duplicated (ACTGGAC; older notation c.1815_1821dupACTGGAC).
Protein change: p.Glu608fs; shifts the reading frame from glutamic acid 608.
Molecular consequence: frameshift variant.
Genome position (GRCh38, 1-based): chr17:42,543,821-42,543,827, ACTGGAC duplicated; duplicating any 7 consecutive bases within chr17:42,543,820-42,543,827 gives the same sequence; the c. name uses the placement nearest the transcript's 3' end. VCF-style (leftmost placement, unchanged base first): chr17-42543819-G-GCACTGGA. GRCh37 (hg19) VCF-style: chr17-40695837-G-GCACTGGA.
Other names: short protein forms E608fs.
Identifiers: ClinVar variation 1451924 (VCV001451924.6), dbSNP rs2143113857, ClinGen allele CA2573153975.

ClinVar aggregate classification (germline): Pathogenic (1 of 4 stars; one submission).

Conditions:
Mucopolysaccharidosis, MPS-III-B (MPS3B). Also called: N-ACETYL-ALPHA-D-GLUCOSAMINIDASE DEFICIENCY; NAGLU DEFICIENCY; SANFILIPPO SYNDROME B; MPS III B; MPS IIIB (Sanfilippo Syndrome Type B); MUCOPOLYSACCHARIDOSIS, TYPE IIIB. Identifiers: Orphanet 79270, MedGen C0086648, MONDO:0009656, OMIM 252920.
Charcot-Marie-Tooth disease axonal type 2V. Also called: CHARCOT-MARIE-TOOTH NEUROPATHY, TYPE 2V; CHARCOT-MARIE-TOOTH DISEASE, AXONAL, AUTOSOMAL DOMINANT, TYPE 2V. Identifiers: Orphanet 447964, MedGen C5569050, MONDO:0014665, OMIM 616491.

Submission:

Labcorp Genetics (formerly Invitae), Labcorp
Classification: Pathogenic for Charcot-Marie-Tooth disease axonal type 2V; Mucopolysaccharidosis, MPS-III-B. Last evaluated: 2021-08-25. Review status: criteria provided, single submitter. Criteria: Invitae Variant Classification Sherloc (09022015). Collection method: clinical testing. Allele origin: germline.
Comment: For these reasons, this variant has been classified as Pathogenic. This variant disrupts a region of the NAGLU protein in which other variant(s) (p.Gln706*) have been determined to be pathogenic (PMID: 9443875, 29661560). This suggests that this is a clinically significant region of the protein, and that variants that disrupt it are likely to be disease-causing. This variant is also known as 1821ins7 bp. This premature translational stop signal has been observed in individual(s) with mucopolysaccharidosis type III (PMID: 11286389). This variant is not present in population databases (ExAC no frequency). This sequence change creates a premature translational stop signal (p.Glu608Thrfs*7) in the NAGLU gene. While this is not anticipated to result in nonsense mediated decay, it is expected to disrupt the last 136 amino acid(s) of the NAGLU protein.

Literature cited by the submitters: PubMed 9443875; PubMed 29661560; PubMed 11286389.